The following is an entry in ClinVar:

ClinVar aggregate classification (germline): Likely benign. Review status: criteria provided, multiple submitters, no conflicts (2 of 4 stars). 7 submissions from 7 submitters: Likely benign (7). Last evaluated 2026-06-01.

Conditions:
Familial thoracic aortic aneurysm and aortic dissection (TAAD). Also called: Thoracic aortic aneurysms and dissections. Identifiers: Orphanet 91387, MedGen C4707243, MONDO:0019625.
Marfan syndrome (MFS). Also called: Marfan syndrome type 1; Marfan syndrome, classic; FBN1-Related Marfan Syndrome; Marfan's syndrome; MARFAN SYNDROME, TYPE I. Identifiers: Orphanet 284963, Orphanet 558, MedGen C0024796, MONDO:0007947, OMIM 154700.

Allele frequency attached by ClinVar (database versions not stated): ExAC 0.00001; gnomAD 0.00001; gnomAD exomes 0.00001 and 0.00002; TOPMed 0.00003.
gnomAD v4.1: 21 of 1,613,622 alleles (0.0013%); highest among the groups gnomAD compares: Admixed American, 0.005%; no homozygotes.

Submissions (7):

CeGaT Center for Human Genetics Tuebingen
Classification: Likely benign. Last evaluated: 2026-06-01. Review status: criteria provided, single submitter. Criteria: CeGaT Center For Human Genetics Tuebingen Variant Classification Criteria Version 2. Collection method: clinical testing. Allele origin: germline. Affected: yes. Observed: 1 variant allele.
Comment: FBN1: BP4, BP7

Labcorp Genetics (formerly Invitae), Labcorp
Classification: Likely benign for Marfan syndrome; Familial thoracic aortic aneurysm and aortic dissection. Last evaluated: 2025-10-23. Review status: criteria provided, single submitter. Criteria: Invitae Variant Classification Sherloc (09022015). Collection method: clinical testing. Allele origin: germline.

Blueprint Genetics
Classification: Likely benign. Last evaluated: 2024-11-25. Review status: criteria provided, single submitter. Criteria: ACMG Guidelines, 2015. Collection method: clinical testing. Allele origin: germline.

All of Us Research Program, National Institutes of Health
Classification: Likely benign for Marfan syndrome. Last evaluated: 2024-02-05. Review status: criteria provided, single submitter. Criteria: ACMG Guidelines, 2015. Collection method: clinical testing. Allele origin: germline. Inheritance: Autosomal dominant inheritance. Observed: 8 variant alleles, 8 heterozygotes.
Comment: This study involves interpretation of variants in research participants for the purpose of population health screening. Participant phenotype was not available at the time of variant classification. Additional details can be found in publication PMID: 35346344, PMCID: PMC8962531

Ambry Genetics
Classification: Likely benign for Familial thoracic aortic aneurysm and aortic dissection. Last evaluated: 2023-12-12. Review status: criteria provided, single submitter. Criteria: Ambry Variant Classification Scheme 2023. Collection method: clinical testing. Allele origin: germline.

Color Diagnostics, LLC DBA Color Health
Classification: Likely benign for Familial thoracic aortic aneurysm and aortic dissection. Last evaluated: 2021-03-16. Review status: criteria provided, single submitter. Criteria: ACMG Guidelines, 2015. Collection method: clinical testing. Allele origin: germline.

GeneDx
Classification: Likely benign. Last evaluated: 2019-01-02. Review status: criteria provided, single submitter. Criteria: GeneDx Variant Classification Process June 2021. Collection method: clinical testing. Allele origin: germline. Affected: yes.

NM_000138.5(FBN1):c.4359G>A (p.Pro1453=)

Gene: FBN1 (fibrillin 1; minus strand). Cytogenetic location: 15q21.1.
Variant type: single nucleotide variant.
Coding change: c.4359G>A on transcript NM_000138.5 (MANE Select); coding-DNA position 4359, G replaced by A.
Protein change: p.Pro1453=; no amino-acid change (proline 1453 retained).
Molecular consequence: synonymous variant.
Genome position (GRCh38, 1-based): chr15:48,470,734, C>T on the plus strand (G>A on the coding strand, the complement: FBN1 is on the minus strand). VCF-style: chr15-48470734-C-T. GRCh37 (hg19) VCF-style: chr15-48762931-C-T.
Identifiers: ClinVar variation 516624 (VCV000516624.57), dbSNP rs748551052, ClinGen allele CA052727.